The following is an entry in ClinVar:

NM_000091.5(COL4A3):c.226_229dup (p.Pro77fs)

Genes: COL4A3 (collagen type IV alpha 3 chain; plus strand), MFF-DT (MFF divergent transcript; minus strand). Cytogenetic location: 2q36.3.
Variant type: Duplication.
Coding change: c.226_229dup on transcript NM_000091.5 (MANE Select); coding-DNA positions 226 to 229, 4 bases duplicated (GGAC; older notation c.226_229dupGGAC).
Protein change: p.Pro77fs; shifts the reading frame from proline 77.
Molecular consequence: frameshift variant.
Genome position (GRCh38, 1-based): chr2:227,240,224-227,240,227, GGAC duplicated. VCF-style (leftmost placement, unchanged base first): chr2-227240223-G-GGGAC. GRCh37 (hg19) VCF-style: chr2-228104939-G-GGGAC.
Other names: short protein forms P77fs.
Identifiers: ClinVar variation 2807395 (VCV002807395.3), dbSNP rs950553574, ClinGen allele CA66611337.
Genomic context (GRCh38, chr2:227,240,223, plus strand): 5'-ACCCCCCGGTTCTCCTGGCCAGAAAGGATTCACAGGTCCTGAAGGCTTGCCTGGACCGCA[G>GGGAC]GGACCCAAGGTATGTCATCCTGCAAGCTTGGAAAATCCCCAACCCACCTAACCCTCTTCC-3'

ClinVar aggregate classification (germline): Pathogenic (1 of 4 stars; one submission).

Allele frequency attached by ClinVar (database versions not stated): gnomAD exomes below 0.00001; TOPMed below 0.00001; gnomAD 0.00001.

Submission:

Labcorp Genetics (formerly Invitae), Labcorp
Classification: Pathogenic. Last evaluated: 2023-09-14. Review status: criteria provided, single submitter. Criteria: Invitae Variant Classification Sherloc (09022015). Collection method: clinical testing. Allele origin: germline.
Comment: This sequence change creates a premature translational stop signal (p.Pro77Argfs*54) in the COL4A3 gene. It is expected to result in an absent or disrupted protein product. Loss-of-function variants in COL4A3 are known to be pathogenic (PMID: 8956999, 24854265, 26809805, 27281700). This variant is not present in population databases (gnomAD no frequency). This variant has not been reported in the literature in individuals affected with COL4A3-related conditions. For these reasons, this variant has been classified as Pathogenic.

Literature cited by the submitters: PubMed 8956999; PubMed 24854265; PubMed 26809805; PubMed 27281700.